The following is an entry in ClinVar:

NM_000455.5(STK11):c.574A>G (p.Ile192Val)

Gene: STK11 (serine/threonine kinase 11; plus strand). Cytogenetic location: 19p13.3.
Variant type: single nucleotide variant.
Coding change: c.574A>G on transcript NM_000455.5 (MANE Select); coding-DNA position 574, A replaced by G.
Protein change: p.Ile192Val; replaces isoleucine 192 with valine.
Molecular consequence: missense variant. On other transcripts: non-coding transcript variant (1).
Genome position (GRCh38, 1-based): chr19:1,220,482, A>G. VCF-style: chr19-1220482-A-G. GRCh37 (hg19) VCF-style: chr19-1220481-A-G.
Other names: c.574A>G, p.Ile192Val (NM_001407255.1); short protein forms I192V.
Identifiers: ClinVar variation 5030302 (VCV005030302.1).

ClinVar aggregate classification (germline): Uncertain significance (1 of 4 stars; one submission).

Conditions:
Hereditary cancer-predisposing syndrome. Also called: Neoplastic Syndromes, Hereditary; Tumor predisposition; Hereditary neoplastic syndrome; Hereditary Cancer Syndrome. Identifiers: Orphanet 140162, MedGen C0027672, MeSH D009386, MONDO:0015356.

Submission:

Ambry Genetics
Classification: Uncertain significance for Hereditary cancer-predisposing syndrome. Last evaluated: 2026-09-08. Review status: criteria provided, single submitter. Criteria: Ambry Variant Classification Scheme 2023. Collection method: clinical testing. Allele origin: germline.
Comment: The p.I192V variant (also known as c.574A>G), located in coding exon 4 of the STK11 gene, results from an A to G substitution at nucleotide position 574. The isoleucine at codon 192 is replaced by valine, an amino acid with highly similar properties. This amino acid position is conserved. In addition, the in silico prediction for this alteration is inconclusive. Based on the available evidence, the clinical significance of this variant remains unclear.